The following is an entry in ClinVar:

ClinVar aggregate classification (germline): Uncertain significance. Review status: criteria provided, multiple submitters, no conflicts (2 of 4 stars). 2 submissions from 2 submitters: Uncertain significance (2). Last evaluated 2022-08-02.

Allele frequency attached by ClinVar (database versions not stated): gnomAD 0.00001 and 0.00005; TOPMed 0.00002; ESP Exome Variant Server 0.00008; gnomAD exomes 0.00009 and 0.00019; ExAC 0.00022.
gnomAD v4.1: 134 of 1,613,678 alleles (0.0083%); highest among the groups gnomAD compares: South Asian, 0.14%; 1 homozygote.

Submissions (2):

Labcorp Genetics (formerly Invitae), Labcorp
Classification: Uncertain significance. Last evaluated: 2022-08-02. Review status: criteria provided, single submitter. Criteria: Invitae Variant Classification Sherloc (09022015). Collection method: clinical testing. Allele origin: germline.
Comment: This sequence change replaces glutamic acid, which is acidic and polar, with lysine, which is basic and polar, at codon 824 of the HPS5 protein (p.Glu824Lys). This variant is present in population databases (rs368884599, gnomAD 0.1%). This variant has not been reported in the literature in individuals affected with HPS5-related conditions. ClinVar contains an entry for this variant (Variation ID: 445828). Algorithms developed to predict the effect of missense changes on protein structure and function output the following: SIFT: "Tolerated"; PolyPhen-2: "Benign"; Align-GVGD: "Class C0". The lysine amino acid residue is found in multiple mammalian species, which suggests that this missense change does not adversely affect protein function. In summary, the available evidence is currently insufficient to determine the role of this variant in disease. Therefore, it has been classified as a Variant of Uncertain Significance.

Center for Pediatric Genomic Medicine, Children's Mercy Hospital and Clinics
Classification: Uncertain significance. Last evaluated: 2017-03-30. Review status: criteria provided, single submitter. Criteria: ACMG Guidelines, 2015. Collection method: clinical testing. Allele origin: germline.

NM_181507.2(HPS5):c.2470G>A (p.Glu824Lys)

Gene: HPS5 (HPS5 biogenesis of lysosomal organelles complex 2 subunit 2; minus strand). Cytogenetic location: 11p15.1.
Variant type: single nucleotide variant.
Coding change: c.2470G>A on transcript NM_181507.2 (MANE Select); coding-DNA position 2470, G replaced by A.
Protein change: p.Glu824Lys; replaces glutamic acid 824 with lysine.
Molecular consequence: missense variant.
Genome position (GRCh38, 1-based): chr11:18,287,984, C>T on the plus strand (G>A on the coding strand, the complement: HPS5 is on the minus strand). VCF-style: chr11-18287984-C-T. GRCh37 (hg19) VCF-style: chr11-18309531-C-T.
Other names: c.2128G>A, p.Glu710Lys (NM_007216.4, NM_181508.2); short protein forms E824K, E710K.
Identifiers: ClinVar variation 445828 (VCV000445828.4), dbSNP rs368884599, ClinGen allele CA5909845.
Genomic context (GRCh38, chr11:18,287,984, plus strand): 5'-CAAAAGGAACCTCGTCATCTAGTAACTTTAACCTTGTTGGTAGATCTCCTTTTTCCATCT[C>T]CATATACACAGGATTGGAACTTGCCATTTCTGAAATATAAAGCATATCCTTTTCCAAACT-3'
Protein context (NP_852608.1, residues 814-834): EMASSNPVYM[Glu824Lys]MEKGDLPTRL